The following is an entry in ClinVar:

ClinVar aggregate classification (germline): Uncertain significance (1 of 4 stars; one submission).

gnomAD v4.1: 2 of 1,574,486 alleles (0.00013%); highest among the groups gnomAD compares: East Asian, 0.0047%; no homozygotes.

Submission:

Labcorp Genetics (formerly Invitae), Labcorp
Classification: Uncertain significance. Last evaluated: 2022-10-13. Review status: criteria provided, single submitter. Criteria: Invitae Variant Classification Sherloc (09022015). Collection method: clinical testing. Allele origin: germline.
Comment: In summary, the available evidence is currently insufficient to determine the role of this variant in disease. Therefore, it has been classified as a Variant of Uncertain Significance. Advanced modeling of protein sequence and biophysical properties (such as structural, functional, and spatial information, amino acid conservation, physicochemical variation, residue mobility, and thermodynamic stability) performed at Invitae indicates that this missense variant is expected to disrupt GDF1 protein function. ClinVar contains an entry for this variant (Variation ID: 660810). This variant has not been reported in the literature in individuals affected with GDF1-related conditions. The frequency data for this variant in the population databases is considered unreliable, as metrics indicate poor data quality at this position in the gnomAD database. This sequence change replaces arginine, which is basic and polar, with tryptophan, which is neutral and slightly polar, at codon 359 of the GDF1 protein (p.Arg359Trp).

NM_001492.6(GDF1):c.1075C>T (p.Arg359Trp)

Genes: CERS1 (ceramide synthase 1; minus strand), GDF1 (growth differentiation factor 1; minus strand). Cytogenetic location: 19p13.11.
Variant type: single nucleotide variant.
Coding change: c.1075C>T on transcript NM_001492.6 (MANE Select); coding-DNA position 1075, C replaced by T.
Protein change: p.Arg359Trp; replaces arginine 359 with tryptophan.
Molecular consequence: missense variant. On other transcripts: 3 prime UTR variant (2).
Genome position (GRCh38, 1-based): chr19:18,868,641, G>A on the plus strand (C>T on the coding strand, the complement: GDF1 is on the minus strand). VCF-style: chr19-18868641-G-A. GRCh37 (hg19) VCF-style: chr19-18979450-G-A.
Other names: c.*1936C>T (NM_001387440.1); c.*1344C>T (NM_021267.5); c.1075C>T, p.Arg359Trp (NM_001387438.1); short protein forms R359W.
Identifiers: ClinVar variation 660810 (VCV000660810.11), dbSNP rs1324719289, ClinGen allele CA404861768.